The following is an entry in ClinVar:

NM_025114.4(CEP290):c.5710-246A>T

Gene: CEP290 (centrosomal protein 290; minus strand). Cytogenetic location: 12q21.32.
Variant type: single nucleotide variant.
Coding change: c.5710-246A>T on transcript NM_025114.4 (MANE Select); 246 bases into the intron before coding-DNA position 5710, A replaced by T.
Molecular consequence: intron variant.
Genome position (GRCh38, 1-based): chr12:88,072,172, T>A on the plus strand (A>T on the coding strand, the complement: CEP290 is on the minus strand). VCF-style: chr12-88072172-T-A. GRCh37 (hg19) VCF-style: chr12-88465949-T-A.
Identifiers: ClinVar variation 4995821 (VCV004995821.1).
Genomic context (GRCh38, chr12:88,072,172, plus strand): 5'-GAATTTGGATTTTTTTAAAAAATATTTTTGGAATATTTGCATATACATAATGAGATATCT[T>A]AGGGATGGGTCCCAAGTCCAAACACAAAATTCACTTATGTTTCACATACACCTTCTACAC-3'

ClinVar aggregate classification (germline): Likely benign (1 of 4 stars; one submission).

Conditions:
CEP290-related disorder. Also called: CEP290-related condition; CEP290-related disorders. Identifiers: MedGen CN239314.

Submission:

PreventionGenetics, part of Exact Sciences
Classification: Likely benign for CEP290-related condition. Last evaluated: 2026-06-26. Review status: criteria provided, single submitter. Criteria: ACMG Guidelines, 2015. Collection method: clinical testing. Allele origin: germline.
Comment: This variant is classified as likely benign based on ACMG/AMP sequence variant interpretation guidelines (Richards et al. 2015 PMID: 25741868, with internal and published modifications).